The following is an entry in ClinVar:

NM_002691.4(POLD1):c.1305A>G (p.Ser435=)

Gene: POLD1 (DNA polymerase delta 1, catalytic subunit; plus strand). Cytogenetic location: 19q13.33.
Variant type: single nucleotide variant.
Coding change: c.1305A>G on transcript NM_002691.4 (MANE Select); coding-DNA position 1305, A replaced by G.
Protein change: p.Ser435=; no amino-acid change (serine 435 retained).
Molecular consequence: synonymous variant. On other transcripts: non-coding transcript variant (1).
Genome position (GRCh38, 1-based): chr19:50,406,244, A>G. VCF-style: chr19-50406244-A-G. GRCh37 (hg19) VCF-style: chr19-50909501-A-G.
Other names: c.1305A>G, p.Ser435= (NM_001256849.1, NM_001308632.1); c.1305A>G (NM_002691.2).
Identifiers: ClinVar variation 1656779 (VCV001656779.10), dbSNP rs2122318403, ClinGen allele CA508304653.

ClinVar aggregate classification (germline): Benign/Likely benign. Review status: criteria provided, multiple submitters, no conflicts (2 of 4 stars). 3 submissions from 3 submitters: Benign (1); Likely benign (2). Last evaluated 2025-02-26.

Conditions:
POLD1-related polyposis and colorectal cancer syndrome (CRCS10). Also called: Colorectal cancer 10; COLORECTAL CANCER, SUSCEPTIBILITY TO, ON CHROMOSOME 19q; Colorectal cancer, susceptibility to, 10. Identifiers: Orphanet 220460, MedGen C2675481, MONDO:0012953, OMIM 612591.
Hereditary cancer-predisposing syndrome. Also called: Hereditary Cancer Syndrome; Hereditary neoplastic syndrome; Neoplastic Syndromes, Hereditary; Tumor predisposition. Identifiers: Orphanet 140162, MedGen C0027672, MeSH D009386, MONDO:0015356.

gnomAD v4.1: 1 of 1,613,762 alleles (0.000062%); highest among the groups gnomAD compares: Non-Finnish European, 0.000085%; no homozygotes.

Submissions (3):

Labcorp Genetics (formerly Invitae), Labcorp
Classification: Likely benign for POLD1-related polyposis and colorectal cancer syndrome. Last evaluated: 2025-02-26. Review status: criteria provided, single submitter. Criteria: Invitae Variant Classification Sherloc (09022015). Collection method: clinical testing. Allele origin: germline.

Myriad Genetics, Inc.
Classification: Benign for POLD1-related polyposis and colorectal cancer syndrome. Last evaluated: 2025-02-06. Review status: criteria provided, single submitter. Criteria: Myriad Autosomal Dominant, Autosomal Recessive and X-Linked Classification Criteria (2023). Collection method: clinical testing. Allele origin: unknown.
Comment: This variant is considered benign. This variant is a silent/synonymous amino acid change and it is not expected to impact splicing.

Ambry Genetics
Classification: Likely benign for Hereditary cancer-predisposing syndrome. Last evaluated: 2024-12-08. Review status: criteria provided, single submitter. Criteria: Ambry Variant Classification Scheme 2023. Collection method: clinical testing. Allele origin: germline.